The following is an entry in ClinVar:

NM_152383.5(DIS3L2):c.44C>A (p.Thr15Asn)

Gene: DIS3L2 (DIS3 like 3'-5' exoribonuclease 2; plus strand). Cytogenetic location: 2q37.1.
Variant type: single nucleotide variant.
Coding change: c.44C>A on transcript NM_152383.5 (MANE Select); coding-DNA position 44, C replaced by A.
Protein change: p.Thr15Asn; replaces threonine 15 with asparagine.
Molecular consequence: missense variant. On other transcripts: non-coding transcript variant (2).
Genome position (GRCh38, 1-based): chr2:232,014,971, C>A. VCF-style: chr2-232014971-C-A. GRCh37 (hg19) VCF-style: chr2-232879681-C-A.
Other names: c.44C>A, p.Thr15Asn (NM_001257281.2, NM_001257282.2); short protein forms T15N.
Identifiers: ClinVar variation 1950740 (VCV001950740.5), dbSNP rs749719015, ClinGen allele CA2163695.

ClinVar aggregate classification (germline): Uncertain significance (1 of 4 stars; one submission).

Conditions:
Perlman syndrome (PRLMNS). Identifiers: Orphanet 2849, MedGen C0796113, MONDO:0009965, OMIM 267000.

Allele frequency attached by ClinVar (database versions not stated): ExAC 0.00001.
gnomAD v4.1: 4 of 1,613,808 alleles (0.00025%); highest among the groups gnomAD compares: South Asian, 0.0022%; no homozygotes.

Submission:

Labcorp Genetics (formerly Invitae), Labcorp
Classification: Uncertain significance for Perlman syndrome. Last evaluated: 2022-03-25. Review status: criteria provided, single submitter. Criteria: Invitae Variant Classification Sherloc (09022015). Collection method: clinical testing. Allele origin: germline.
Comment: In summary, the available evidence is currently insufficient to determine the role of this variant in disease. Therefore, it has been classified as a Variant of Uncertain Significance. Algorithms developed to predict the effect of missense changes on protein structure and function (SIFT, PolyPhen-2, Align-GVGD) all suggest that this variant is likely to be tolerated. This variant has not been reported in the literature in individuals affected with DIS3L2-related conditions. This variant is present in population databases (rs749719015, gnomAD 0.003%). This sequence change replaces threonine, which is neutral and polar, with asparagine, which is neutral and polar, at codon 15 of the DIS3L2 protein (p.Thr15Asn).